The following is an entry in ClinVar:

ClinVar aggregate classification (germline): Uncertain significance. Review status: criteria provided, multiple submitters, no conflicts (2 of 4 stars). 2 submissions from 2 submitters: Uncertain significance (2). Last evaluated 2023-08-21.

Allele frequency attached by ClinVar (database versions not stated): TOPMed 0.00001; gnomAD exomes 0.00003; ExAC 0.00006.
gnomAD v4.1: 15 of 1,614,226 alleles (0.00093%); highest among the groups gnomAD compares: Admixed American, 0.025%; no homozygotes.

Submissions (2):

ARUP Laboratories, Molecular Genetics and Genomics, ARUP Laboratories
Classification: Uncertain significance. Last evaluated: 2023-08-21. Review status: criteria provided, single submitter. Criteria: ARUP Molecular Germline Variant Investigation Process 2024. Collection method: clinical testing. Allele origin: germline.

Labcorp Genetics (formerly Invitae), Labcorp
Classification: Uncertain significance. Last evaluated: 2022-10-19. Review status: criteria provided, single submitter. Criteria: Invitae Variant Classification Sherloc (09022015). Collection method: clinical testing. Allele origin: germline.
Comment: This sequence change replaces proline, which is neutral and non-polar, with alanine, which is neutral and non-polar, at codon 836 of the LARS2 protein (p.Pro836Ala). This variant is present in population databases (rs765716312, gnomAD 0.04%). This variant has not been reported in the literature in individuals affected with LARS2-related conditions. Advanced modeling of protein sequence and biophysical properties (such as structural, functional, and spatial information, amino acid conservation, physicochemical variation, residue mobility, and thermodynamic stability) performed at Invitae indicates that this missense variant is not expected to disrupt LARS2 protein function. In summary, the available evidence is currently insufficient to determine the role of this variant in disease. Therefore, it has been classified as a Variant of Uncertain Significance.

NM_015340.4(LARS2):c.2506C>G (p.Pro836Ala)

Gene: LARS2 (leucyl-tRNA synthetase 2, mitochondrial; plus strand). Cytogenetic location: 3p21.31.
Variant type: single nucleotide variant.
Coding change: c.2506C>G on transcript NM_015340.4 (MANE Select); coding-DNA position 2506, C replaced by G.
Protein change: p.Pro836Ala; replaces proline 836 with alanine.
Molecular consequence: missense variant.
Genome position (GRCh38, 1-based): chr3:45,541,930, C>G. VCF-style: chr3-45541930-C-G. GRCh37 (hg19) VCF-style: chr3-45583422-C-G.
Other names: c.2506C>G, p.Pro836Ala (NM_001368263.1); short protein forms P836A.
Identifiers: ClinVar variation 1932004 (VCV001932004.3), dbSNP rs765716312, ClinGen allele CA2349912.